The following is an entry in ClinVar:

NM_005845.5(ABCC4):c.1825-7A>G

Gene: ABCC4 (ATP binding cassette subfamily C member 4 (PEL blood group); minus strand). Cytogenetic location: 13q32.1.
Variant type: single nucleotide variant.
Coding change: c.1825-7A>G on transcript NM_005845.5 (MANE Select); 7 bases into the intron before coding-DNA position 1825, A replaced by G.
Molecular consequence: intron variant.
Genome position (GRCh38, 1-based): chr13:95,166,374, T>C on the plus strand (A>G on the coding strand, the complement: ABCC4 is on the minus strand). VCF-style: chr13-95166374-T-C. GRCh37 (hg19) VCF-style: chr13-95818628-T-C.
Other names: p.?; c.1825-7A>G (NM_001301829.2, NM_001105515.3); c.1600-7A>G (NM_001301830.2).
Identifiers: ClinVar variation 717315 (VCV000717315.4), dbSNP rs11568696, ClinGen allele CA7019375.

ClinVar aggregate classification (germline): Benign. Review status: criteria provided, multiple submitters, no conflicts (2 of 4 stars). 2 submissions from 2 submitters: Benign (2). Last evaluated 2024-10-22.

Allele frequency attached by ClinVar (database versions not stated): 1000 Genomes Project 30x 0.00671; gnomAD 0.00724 and 0.00799; gnomAD exomes 0.00069 and 0.00174; ESP Exome Variant Server 0.00946; 1000 Genomes Project 0.00559; TOPMed 0.00841; ExAC 0.00221.
gnomAD v4.1: 2,161 of 1,607,130 alleles (0.13%); highest among the groups gnomAD compares: African/African-American, 2.6%; 31 homozygotes.

Submissions (2):

Mayo Clinic Laboratories, Mayo Clinic
Classification: Benign. Last evaluated: 2024-10-22. Review status: criteria provided, single submitter. Criteria: ACMG Guidelines, 2015. Collection method: clinical testing. Allele origin: germline. Observed: 4 variant alleles.
Comment: BS1, BS2, BP4, BP7

Labcorp Genetics (formerly Invitae), Labcorp
Classification: Benign. Last evaluated: 2018-05-09. Review status: criteria provided, single submitter. Criteria: Invitae Variant Classification Sherloc (09022015). Collection method: clinical testing. Allele origin: germline.